The following is an entry in ClinVar:

NM_001271.4(CHD2):c.3237+4A>G

Gene: CHD2 (chromodomain helicase DNA binding protein 2; plus strand). Cytogenetic location: 15q26.1.
Variant type: single nucleotide variant.
Coding change: c.3237+4A>G on transcript NM_001271.4 (MANE Select); 4 bases into the intron after coding-DNA position 3237, A replaced by G.
Molecular consequence: intron variant.
Genome position (GRCh38, 1-based): chr15:92,984,504, A>G. VCF-style: chr15-92984504-A-G. GRCh37 (hg19) VCF-style: chr15-93527734-A-G.
Identifiers: ClinVar variation 4885850 (VCV004885850.2).

ClinVar aggregate classification (germline): Uncertain significance (1 of 4 stars; one submission).

gnomAD v4.1: 1 of 1,605,632 alleles (0.000062%); highest among the groups gnomAD compares: African/African-American, 0.0013%; no homozygotes.

Submission:

Dasa
Classification: Uncertain significance. Last evaluated: 2026-04-23. Review status: criteria provided, single submitter. Criteria: DASA Assertion Criteria. Collection method: clinical testing. Allele origin: germline.
Comment: NM_001271.4(CHD2):c.3237+4A>G is a splice-region variant. This variant is rare in population databases. Computational prediction algorithms are consistent with a deleterious effect. The currently available literature and clinical evidence are not sufficient to establish a definitive association between this variant and the reported condition. Therefore, this variant is classified as a variant of uncertain significance.